The following is an entry in ClinVar:

ClinVar aggregate classification (germline): Pathogenic (1 of 4 stars; one submission).

Conditions:
GNPTAB-mucolipidosis. Also called: UDP-N-acetylglucosamine-1-phosphotransferase subunit alpha/beta deficiency. Identifiers: MedGen CN322573, MONDO:0100122.

Submission:

Myriad Genetics, Inc.
Classification: Pathogenic for GNPTAB-mucolipidosis. Last evaluated: 2023-08-22. Review status: criteria provided, single submitter. Criteria: Myriad Autosomal Dominant, Autosomal Recessive and X-Linked Classification Criteria (2023). Collection method: clinical testing. Allele origin: unknown.
Comment: NM_024312.4(GNPTAB):c.886_893del8(T296Sfs*15) is expected to be pathogenic in the context of GNPTAB-related disorders. This variant is predicted to lead to an abnormal or absent protein product due to the creation of a premature termination codon in GNPTAB, a gene where loss-of-function variants are known to be pathogenic. Please note: this variant was assessed in the context of healthy population screening.

NM_024312.5(GNPTAB):c.886_893del (p.Thr296fs)

Gene: GNPTAB (N-acetylglucosamine-1-phosphate transferase subunits alpha and beta; minus strand). Cytogenetic location: 12q23.2.
Variant type: Deletion.
Coding change: c.886_893del on transcript NM_024312.5 (MANE Select); coding-DNA positions 886 to 893, 8 bases deleted (ACCATAAG; older notation c.886_893delACCATAAG).
Protein change: p.Thr296fs; shifts the reading frame from threonine 296.
Molecular consequence: frameshift variant.
Genome position (GRCh38, 1-based): chr12:101,771,036-101,771,043, CTTATGGT deleted on the plus strand (ACCATAAG on the coding strand, the reverse complement: GNPTAB is on the minus strand); deleting any 8 consecutive bases within chr12:101,771,036-101,771,044 gives the same sequence; the c. name uses the placement nearest the transcript's 3' end. VCF-style (leftmost placement, unchanged base first): chr12-101771035-ACTTATGGT-A. GRCh37 (hg19) VCF-style: chr12-102164813-ACTTATGGT-A.
Other names: short protein forms T296fs.
Identifiers: ClinVar variation 5011451 (VCV005011451.1).